The following is an entry in ClinVar:

NM_000038.6(APC):c.900A>G (p.Ala300=)

Gene: APC (APC regulator of Wnt signaling pathway; plus strand). Cytogenetic location: 5q22.2.
Variant type: single nucleotide variant.
Coding change: c.900A>G on transcript NM_000038.6 (MANE Select); coding-DNA position 900, A replaced by G.
Protein change: p.Ala300=; no amino-acid change (alanine 300 retained).
Molecular consequence: synonymous variant.
Genome position (GRCh38, 1-based): chr5:112,815,560, A>G. VCF-style: chr5-112815560-A-G. GRCh37 (hg19) VCF-style: chr5-112151257-A-G.
Other names: c.900A>G, p.Ala300= (NM_001127510.3, NM_001354895.2, NM_001354896.2 and 1 more transcripts); c.846A>G, p.Ala282= (NM_001127511.3); c.930A>G, p.Ala310= (NM_001354897.2, NM_001354902.2); c.825A>G, p.Ala275= (NM_001354898.2, NM_001354904.2); c.816A>G, p.Ala272= (NM_001354899.2); c.723A>G, p.Ala241= (NM_001354900.2, NM_001354901.2, NM_001354905.2); c.51A>G, p.Ala17= (NM_001354906.2).
Identifiers: ClinVar variation 1131172 (VCV001131172.14), dbSNP rs751173795, ClinGen allele CA445755709.

ClinVar aggregate classification (germline): Likely benign. Review status: criteria provided, multiple submitters, no conflicts (2 of 4 stars). 3 submissions from 3 submitters: Likely benign (2). 1 of the submissions does not count toward it. Last evaluated 2024-07-24.

Conditions:
APC-related disorder. Also called: APC-related condition.
Familial adenomatous polyposis 1 (FAP1). Also called: FAMILIAL ADENOMATOUS POLYPOSIS 1, ATTENUATED; POLYPOSIS, ADENOMATOUS INTESTINAL. Identifiers: MedGen C2713442, MONDO:0021056, OMIM 175100. Disease mechanism: loss of function.
Hereditary cancer-predisposing syndrome. Also called: Neoplastic Syndromes, Hereditary; Hereditary Cancer Syndrome; Tumor predisposition; Hereditary neoplastic syndrome. Identifiers: Orphanet 140162, MedGen C0027672, MeSH D009386, MONDO:0015356.

Submissions (3):

Labcorp Genetics (formerly Invitae), Labcorp
Classification: Likely benign for Familial adenomatous polyposis 1. Last evaluated: 2024-07-24. Review status: criteria provided, single submitter. Criteria: Invitae Variant Classification Sherloc (09022015). Collection method: clinical testing. Allele origin: germline.

Ambry Genetics
Classification: Likely benign for Hereditary cancer-predisposing syndrome. Last evaluated: 2021-12-20. Review status: criteria provided, single submitter. Criteria: Ambry Variant Classification Scheme 2023. Collection method: clinical testing. Allele origin: germline.

PreventionGenetics, part of Exact Sciences
Classification: Likely benign for APC-related condition. Last evaluated: 2023-04-27. Review status: no assertion criteria provided. Collection method: clinical testing. Allele origin: germline. Not counted in ClinVar's aggregate classification.
Comment: This variant is classified as likely benign based on ACMG/AMP sequence variant interpretation guidelines (Richards et al. 2015 PMID: 25741868, with internal and published modifications).